The following is an entry in ClinVar:

NM_001035.3(RYR2):c.4556C>T (p.Thr1519Ile)

Gene: RYR2 (ryanodine receptor 2; plus strand). Cytogenetic location: 1q43.
Variant type: single nucleotide variant.
Coding change: c.4556C>T on transcript NM_001035.3 (MANE Select); coding-DNA position 4556, C replaced by T.
Protein change: p.Thr1519Ile; replaces threonine 1519 with isoleucine.
Molecular consequence: missense variant.
Genome position (GRCh38, 1-based): chr1:237,595,617, C>T. VCF-style: chr1-237595617-C-T. GRCh37 (hg19) VCF-style: chr1-237758917-C-T.
Other names: short protein forms T1519I.
Identifiers: ClinVar variation 2774296 (VCV002774296.2), dbSNP rs2546655590, ClinGen allele CA345400623.
Genomic context (GRCh38, chr1:237,595,617, plus strand): 5'-GACGCAACAATAATGGACTGGAGATTGGCTGTGTGGTGGATGCTGCCAGCGGGCTGCTCA[C>T]ATTCATTGCCAATGGCAAGGAACTGAGCACATACTATCAGGTACGCGGTCAGTGATGATA-3'
Protein context (NP_001026.2, residues 1509-1529): CVVDAASGLL[Thr1519Ile]FIANGKELST

ClinVar aggregate classification (germline): Uncertain significance (1 of 4 stars; one submission).

Conditions:
Cardiomyopathy (CMYO). Also called: Cardiomyopathies. Identifiers: Orphanet 167848, MedGen C0878544, MONDO:0004994, HP:0001638. Inheritance: Various modes of inheritance.

Submission:

Color Diagnostics, LLC DBA Color Health
Classification: Uncertain significance for Cardiomyopathy. Last evaluated: 2024-03-07. Review status: criteria provided, single submitter. Criteria: ACMG Guidelines, 2015. Collection method: clinical testing. Allele origin: germline.
Comment: This missense variant replaces threonine with isoleucine at codon 1519 of the RYR2 protein. Computational prediction suggests that this variant may not impact protein structure and function (internally defined REVEL score threshold <= 0.5, PMID: 27666373). To our knowledge, functional studies have not been reported for this variant. This variant has not been reported in individuals affected with cardiovascular disorders in the literature. This variant has not been identified in the general population by the Genome Aggregation Database (gnomAD). The available evidence is insufficient to determine the role of this variant in disease conclusively. Therefore, this variant is classified as a Variant of Uncertain Significance.